The following is an entry in ClinVar:

NM_001009944.3(PKD1):c.11615A>T (p.Glu3872Val)

Genes: PKD1 (polycystin 1, transient receptor potential channel interacting; minus strand), PKD1-AS1 (PKD1 antisense RNA 1; plus strand). Cytogenetic location: 16p13.3.
Variant type: single nucleotide variant.
Coding change: c.11615A>T on transcript NM_001009944.3 (MANE Select); coding-DNA position 11615, A replaced by T.
Protein change: p.Glu3872Val; replaces glutamic acid 3872 with valine.
Molecular consequence: missense variant. On other transcripts: non-coding transcript variant (1).
Genome position (GRCh38, 1-based): chr16:2,091,520, T>A on the plus strand (A>T on the coding strand, the complement: PKD1 is on the minus strand). VCF-style: chr16-2091520-T-A. GRCh37 (hg19) VCF-style: chr16-2141521-T-A.
Other names: c.11612A>T, p.Glu3871Val (NM_000296.4); short protein forms E3871V, E3872V.
Identifiers: ClinVar variation 3894546 (VCV003894546.1).
Genomic context (GRCh38, chr16:2,091,520, plus strand): 5'-CGGCGCAGCGCAAAGGGGCGGACGCTGAGGGCGGCCAGGGCGCGGCCGGCCGCCGGGAAC[T>A]CGAGGCGCAGCGTGACGGCGGCGTGCAGCCCCACGGCCGGGCTGTAGCGCGTGAGCTCCA-3'
Protein context (NP_001009944.3, residues 3862-3882): GLHAAVTLRL[Glu3872Val]FPAAGRALAA

ClinVar aggregate classification (germline): Likely pathogenic (1 of 4 stars; one submission).

Conditions:
Polycystic kidney disease, adult type (PKD1). Also called: POLYCYSTIC KIDNEY DISEASE 1 WITH OR WITHOUT POLYCYSTIC LIVER DISEASE; POLYCYSTIC KIDNEY DISEASE, ADULT, TYPE I; Polycystic Kidney Disease 1, Autosomal Dominant; Polycystic kidney disease 1; Polycystic kidney disease 1, severe; Polycystic Kidney, Autosomal Dominant. Identifiers: MedGen C3149841, MONDO:0008263, OMIM 173900.

Submission:

MVZ Medizinische Genetik Mainz
Classification: Likely pathogenic for Polycystic kidney disease, adult type. Last evaluated: 2025-04-03. Review status: criteria provided, single submitter. Criteria: UK Practice Guidelines For Variant Classification V4 01 2020. Collection method: clinical testing. Allele origin: germline. Inheritance: Autosomal dominant inheritance. Affected: yes. Observed: 1 variant allele.
Comment: ACMG Criteria: PM5,PP3_MOD,PM2_SUP,PP4